The following is an entry in ClinVar:

ClinVar aggregate classification (germline): Likely pathogenic. Review status: criteria provided, multiple submitters, no conflicts (2 of 4 stars). 3 submissions from 3 submitters: Likely pathogenic (3). Last evaluated 2024-10-21.

Conditions:
Pulmonary hypertension, neonatal, susceptibility to (PHN). Identifiers: MedGen C3714958, MONDO:0014151, OMIM 615371.
Congenital hyperammonemia, type I. Also called: CPS 1 deficiency; Carbamyl phosphate synthetase (CPS) deficiency; Carbamoyl-phosphate synthase I deficiency; CPS I DEFICIENCY; Carbamoyl phosphate synthetase I deficiency disease; Carbamoyl phosphate synthetase 1 deficiency. Identifiers: Orphanet 147, MedGen C4082171, MONDO:0009376, OMIM 237300.

Submissions (3):

Labcorp Genetics (formerly Invitae), Labcorp
Classification: Likely pathogenic for Congenital hyperammonemia, type I. Last evaluated: 2024-10-21. Review status: criteria provided, single submitter. Criteria: Invitae Variant Classification Sherloc (09022015). Collection method: clinical testing. Allele origin: germline.
Comment: This sequence change affects a donor splice site in intron 17 of the CPS1 gene. It is expected to disrupt RNA splicing. Variants that disrupt the donor or acceptor splice site typically lead to a loss of protein function (PMID: 16199547), and loss-of-function variants in CPS1 are known to be pathogenic (PMID: 21120950). This variant is not present in population databases (gnomAD no frequency). This variant has not been reported in the literature in individuals affected with CPS1-related conditions. ClinVar contains an entry for this variant (Variation ID: 2086446). Algorithms developed to predict the effect of sequence changes on RNA splicing suggest that this variant may disrupt the consensus splice site. In summary, the currently available evidence indicates that the variant is pathogenic, but additional data are needed to prove that conclusively. Therefore, this variant has been classified as Likely Pathogenic.

Baylor Genetics
Classification: Likely pathogenic for Pulmonary hypertension, neonatal, susceptibility to. Last evaluated: 2024-02-22. Review status: criteria provided, single submitter. Criteria: ACMG Guidelines, 2015. Collection method: clinical testing. Allele origin: unknown.

Mayo Clinic Laboratories, Mayo Clinic
Classification: Likely pathogenic. Last evaluated: 2022-08-19. Review status: criteria provided, single submitter. Criteria: ACMG Guidelines, 2015. Collection method: clinical testing. Allele origin: germline. Observed: 1 variant allele.
Comment: PM2, PVS1

Literature cited by the submitters: PubMed 16199547 (cited by Labcorp Genetics (formerly Invitae), Labcorp); PubMed 21120950 (cited by Labcorp Genetics (formerly Invitae), Labcorp).

NM_001875.5(CPS1):c.1981+1G>C

Gene: CPS1 (carbamoyl-phosphate synthase 1; plus strand). Cytogenetic location: 2q34.
Variant type: single nucleotide variant.
Coding change: c.1981+1G>C on transcript NM_001875.5 (MANE Select); the canonical splice donor site of the intron after coding-DNA position 1981, G replaced by C.
Molecular consequence: splice donor variant.
Genome position (GRCh38, 1-based): chr2:210,605,247, G>C. VCF-style: chr2-210605247-G-C. GRCh37 (hg19) VCF-style: chr2-211469971-G-C.
Other names: c.1981+1G>C (NM_001369257.1, NM_001122633.3); c.2014+1G>C (NM_001369256.1).
Identifiers: ClinVar variation 2086446 (VCV002086446.6), dbSNP rs2469164155, ClinGen allele CA350438291.